The following is an entry in ClinVar:

ClinVar aggregate classification (germline): Uncertain significance (1 of 4 stars; one submission).

gnomAD v4.1: 1 of 1,614,050 alleles (0.000062%); highest among the groups gnomAD compares: Non-Finnish European, 0.000085%; no homozygotes.

Submission:

Labcorp Genetics (formerly Invitae), Labcorp
Classification: Uncertain significance. Last evaluated: 2022-09-26. Review status: criteria provided, single submitter. Criteria: Invitae Variant Classification Sherloc (09022015). Collection method: clinical testing. Allele origin: germline.
Comment: In summary, the available evidence is currently insufficient to determine the role of this variant in disease. Therefore, it has been classified as a Variant of Uncertain Significance. Advanced modeling of protein sequence and biophysical properties (such as structural, functional, and spatial information, amino acid conservation, physicochemical variation, residue mobility, and thermodynamic stability) performed at Invitae indicates that this missense variant is not expected to disrupt COL7A1 protein function. This variant has not been reported in the literature in individuals affected with COL7A1-related conditions. This variant is not present in population databases (gnomAD no frequency). This sequence change replaces alanine, which is neutral and non-polar, with aspartic acid, which is acidic and polar, at codon 1864 of the COL7A1 protein (p.Ala1864Asp).

NM_000094.4(COL7A1):c.5591C>A (p.Ala1864Asp)

Gene: COL7A1 (collagen type VII alpha 1 chain; minus strand). Cytogenetic location: 3p21.31.
Variant type: single nucleotide variant.
Coding change: c.5591C>A on transcript NM_000094.4 (MANE Select); coding-DNA position 5591, C replaced by A.
Protein change: p.Ala1864Asp; replaces alanine 1864 with aspartic acid.
Molecular consequence: missense variant.
Genome position (GRCh38, 1-based): chr3:48,576,897, G>T on the plus strand (C>A on the coding strand, the complement: COL7A1 is on the minus strand). VCF-style: chr3-48576897-G-T. GRCh37 (hg19) VCF-style: chr3-48614330-G-T.
Other names: short protein forms A1864D.
Identifiers: ClinVar variation 2107768 (VCV002107768.4), dbSNP rs1425880288, ClinGen allele CA352669026.